The following is an entry in ClinVar:

ClinVar aggregate classification (germline): Uncertain significance (1 of 4 stars; one submission).

Allele frequency attached by ClinVar (database versions not stated): gnomAD 0.00001; gnomAD exomes 0.00001; ExAC 0.00003; 1000 Genomes Project 30x 0.00016; 1000 Genomes Project 0.00020.
gnomAD v4.1: 5 of 1,613,642 alleles (0.00031%); highest among the groups gnomAD compares: South Asian, 0.0033%; no homozygotes.

Submission:

Labcorp Genetics (formerly Invitae), Labcorp
Classification: Uncertain significance. Last evaluated: 2022-02-27. Review status: criteria provided, single submitter. Criteria: Invitae Variant Classification Sherloc (09022015). Collection method: clinical testing. Allele origin: germline.
Comment: In summary, the available evidence is currently insufficient to determine the role of this variant in disease. Therefore, it has been classified as a Variant of Uncertain Significance. Algorithms developed to predict the effect of missense changes on protein structure and function (SIFT, PolyPhen-2, Align-GVGD) all suggest that this variant is likely to be disruptive. This variant has not been reported in the literature in individuals affected with PCARE-related conditions. This variant is present in population databases (rs528058715, gnomAD 0.01%). This sequence change replaces proline, which is neutral and non-polar, with serine, which is neutral and polar, at codon 832 of the PCARE protein (p.Pro832Ser).

NM_001029883.3(PCARE):c.2494C>T (p.Pro832Ser)

Gene: PCARE (photoreceptor cilium actin regulator; minus strand). Cytogenetic location: 2p23.2.
Variant type: single nucleotide variant.
Coding change: c.2494C>T on transcript NM_001029883.3 (MANE Select); coding-DNA position 2494, C replaced by T.
Protein change: p.Pro832Ser; replaces proline 832 with serine.
Molecular consequence: missense variant.
Genome position (GRCh38, 1-based): chr2:29,071,768, G>A on the plus strand (C>T on the coding strand, the complement: PCARE is on the minus strand). VCF-style: chr2-29071768-G-A. GRCh37 (hg19) VCF-style: chr2-29294634-G-A.
Other names: short protein forms P832S.
Identifiers: ClinVar variation 2104095 (VCV002104095.4), dbSNP rs528058715, ClinGen allele CA1592193.